The following is an entry in ClinVar:

ClinVar aggregate classification (germline): Uncertain significance (1 of 4 stars; one submission).

gnomAD v4.1: 6 of 1,568,232 alleles (0.00038%); highest among the groups gnomAD compares: Non-Finnish European, 0.00052%; no homozygotes.

Submission:

GeneDx
Classification: Uncertain significance. Last evaluated: 2026-02-26. Review status: criteria provided, single submitter. Criteria: GeneDx Variant Classification Process June 2021. Collection method: clinical testing. Allele origin: germline.
Comment: Not observed at significant frequency in large population cohorts (gnomAD); In silico analysis indicates that this missense variant does not alter protein structure/function; Has not been previously published as pathogenic or benign to our knowledge

NM_001606.5(ABCA2):c.4904T>A (p.Val1635Glu)

Gene: ABCA2 (ATP binding cassette subfamily A member 2; minus strand). Cytogenetic location: 9q34.3.
Variant type: single nucleotide variant.
Coding change: c.4904T>A on transcript NM_001606.5 (MANE Select); coding-DNA position 4904, T replaced by A.
Protein change: p.Val1635Glu; replaces valine 1635 with glutamic acid.
Molecular consequence: missense variant.
Genome position (GRCh38, 1-based): chr9:137,012,889, A>T on the plus strand (T>A on the coding strand, the complement: ABCA2 is on the minus strand). VCF-style: chr9-137012889-A-T. GRCh37 (hg19) VCF-style: chr9-139907341-A-T.
Other names: c.4901T>A, p.Val1634Glu (NM_001411042.1); c.4994T>A, p.Val1665Glu (NM_212533.3); short protein forms V1634E, V1635E, V1665E.
Identifiers: ClinVar variation 3766332 (VCV003766332.2).